The following is an entry in ClinVar:

NM_005477.3(HCN4):c.1943A>G (p.Lys648Arg)

Gene: HCN4 (hyperpolarization activated cyclic nucleotide gated potassium channel 4; minus strand). Cytogenetic location: 15q24.1.
Variant type: single nucleotide variant.
Coding change: c.1943A>G on transcript NM_005477.3 (MANE Select); coding-DNA position 1943, A replaced by G.
Protein change: p.Lys648Arg; replaces lysine 648 with arginine.
Molecular consequence: missense variant.
Genome position (GRCh38, 1-based): chr15:73,324,990, T>C on the plus strand (A>G on the coding strand, the complement: HCN4 is on the minus strand). VCF-style: chr15-73324990-T-C. GRCh37 (hg19) VCF-style: chr15-73617331-T-C.
Other names: short protein forms K648R.
Identifiers: ClinVar variation 3666291 (VCV003666291.2).

ClinVar aggregate classification (germline): Uncertain significance (1 of 4 stars; one submission).

Conditions:
Brugada syndrome 8 (BRGDA8). Identifiers: Orphanet 130, MedGen C2751083, MONDO:0013148, OMIM 613123.

Submission:

Labcorp Genetics (formerly Invitae), Labcorp
Classification: Uncertain significance for Brugada syndrome 8. Last evaluated: 2024-10-16. Review status: criteria provided, single submitter. Criteria: Invitae Variant Classification Sherloc (09022015). Collection method: clinical testing. Allele origin: germline.
Comment: This sequence change replaces lysine, which is basic and polar, with arginine, which is basic and polar, at codon 648 of the HCN4 protein (p.Lys648Arg). This variant is not present in population databases (gnomAD no frequency). This variant has not been reported in the literature in individuals affected with HCN4-related conditions. Invitae Evidence Modeling of protein sequence and biophysical properties (such as structural, functional, and spatial information, amino acid conservation, physicochemical variation, residue mobility, and thermodynamic stability) has been performed for this missense variant. However, the output from this modeling did not meet the statistical confidence thresholds required to predict the impact of this variant on HCN4 protein function. In summary, the available evidence is currently insufficient to determine the role of this variant in disease. Therefore, it has been classified as a Variant of Uncertain Significance.